The following is an entry in ClinVar:

ClinVar aggregate classification (germline): Likely benign. Review status: criteria provided, multiple submitters, no conflicts (2 of 4 stars). 2 submissions from 2 submitters: Likely benign (2). Last evaluated 2023-11-24.

Conditions:
Intellectual developmental disorder, X-linked 1. Also called: MENTAL RETARDATION, X-LINKED 18; MENTAL RETARDATION, X-LINKED 78; Intellectual disability, X-linked 1; Atkin Flaitz Patil Smith syndrome. Identifiers: Orphanet 777, MedGen C2931498, MONDO:0010656, OMIM 309530.

Allele frequency attached by ClinVar (database versions not stated): gnomAD exomes below 0.00001; TOPMed below 0.00001.
gnomAD v4.1: 1 of 1,171,744 alleles (0.000085%); highest among the groups gnomAD compares: Non-Finnish European, 0.00011%; no homozygotes.

Submissions (2):

Labcorp Genetics (formerly Invitae), Labcorp
Classification: Likely benign for Intellectual developmental disorder, X-linked 1. Last evaluated: 2023-11-24. Review status: criteria provided, single submitter. Criteria: Invitae Variant Classification Sherloc (09022015). Collection method: clinical testing. Allele origin: germline.

GeneDx
Classification: Likely benign. Last evaluated: 2018-03-13. Review status: criteria provided, single submitter. Criteria: GeneDx Variant Classification (06012015). Collection method: clinical testing. Allele origin: germline. Affected: yes.
Comment: This variant is considered likely benign or benign based on one or more of the following criteria: it is a conservative change, it occurs at a poorly conserved position in the protein, it is predicted to be benign by multiple in silico algorithms, and/or has population frequency not consistent with disease.

NM_001111125.3(IQSEC2):c.2750-9C>T

Gene: IQSEC2 (IQ motif and Sec7 domain ArfGEF 2; minus strand). Cytogenetic location: Xp11.22.
Variant type: single nucleotide variant.
Coding change: c.2750-9C>T on transcript NM_001111125.3 (MANE Select); 9 bases into the intron before coding-DNA position 2750, C replaced by T.
Molecular consequence: intron variant.
Genome position (GRCh38, 1-based): chrX:53,243,480, G>A on the plus strand (C>T on the coding strand, the complement: IQSEC2 is on the minus strand). VCF-style: chrX-53243480-G-A. GRCh37 (hg19) VCF-style: chrX-53272662-G-A.
Other names: c.2135-9C>T (NM_015075.2).
Identifiers: ClinVar variation 538612 (VCV000538612.9), dbSNP rs1556861395, ClinGen allele CA658799748.